The following is an entry in ClinVar:

ClinVar aggregate classification (germline): Uncertain significance (1 of 4 stars; one submission).

Submission:

GeneDx
Classification: Uncertain significance. Last evaluated: 2024-09-27. Review status: criteria provided, single submitter. Criteria: GeneDx Variant Classification Process June 2021. Collection method: clinical testing. Allele origin: germline. Affected: yes.
Comment: Not observed at significant frequency in large population cohorts (gnomAD); In silico analysis supports that this missense variant has a deleterious effect on protein structure/function; Has not been previously published as pathogenic or benign to our knowledge

NM_178014.4(TUBB):c.440T>C (p.Met147Thr)

Gene: TUBB (tubulin beta class I; plus strand). Cytogenetic location: 6p21.33.
Variant type: single nucleotide variant.
Coding change: c.440T>C on transcript NM_178014.4 (MANE Select); coding-DNA position 440, T replaced by C.
Protein change: p.Met147Thr; replaces methionine 147 with threonine.
Molecular consequence: missense variant. On other transcripts: intron variant (1).
Genome position (GRCh38, 1-based): chr6:30,723,502, T>C. VCF-style: chr6-30723502-T-C. GRCh37 (hg19) VCF-style: chr6-30691279-T-C.
Other names: c.308T>C, p.Met103Thr (NM_001293214.2); c.224T>C, p.Met75Thr (NM_001293215.2, NM_001293216.2); c.369+71T>C (NM_001293213.2); c.500T>C, p.Met167Thr (NM_001293212.2); short protein forms M103T, M147T, M167T, M75T.
Identifiers: ClinVar variation 3774768 (VCV003774768.1).